The following is an entry in ClinVar:

NM_004281.4(BAG3):c.508-4dup

Gene: BAG3 (BAG cochaperone 3; plus strand). Cytogenetic location: 10q26.11.
Variant type: Duplication.
Coding change: c.508-4dup on transcript NM_004281.4 (MANE Select); 4 bases into the intron before coding-DNA position 508, one base duplicated (G; older notation c.508-4dupG).
Molecular consequence: intron variant.
Genome position (GRCh38, 1-based): chr10:119,672,251, G duplicated. VCF-style (leftmost placement, unchanged base first): chr10-119672250-T-TG. GRCh37 (hg19) VCF-style: chr10-121431762-T-TG.
Other names: c.508-4dupG (NM_004281.3).
Identifiers: ClinVar variation 539157 (VCV000539157.11), dbSNP rs1426366988, ClinGen allele CA596578064.
Genomic context (GRCh38, chr10:119,672,250, plus strand): 5'-GGTCAGGATGCCAAGCCAGGGGAGTCATTTGTGGGGTCATGCCCTCTACCCTGTGTCTCT[T>TG]GCAGCGGTCCCAGTCTCCAGCTGCCTCTGACTGCTCATCCTCATCCTCCTCGGCCAGCCT-3'

ClinVar aggregate classification (germline): Conflicting classifications of pathogenicity. Review status: criteria provided, conflicting classifications (1 of 4 stars). 2 submissions from 2 submitters: Uncertain significance (1); Likely benign (1). Last evaluated 2026-02-25.

Conditions:
Cardiovascular phenotype. Identifiers: MedGen CN230736.
Myofibrillar myopathy 6. Identifiers: Orphanet 199340, MedGen C2751831, MONDO:0013061, OMIM 612954.
Dilated cardiomyopathy 1HH (CMD1HH). Identifiers: Orphanet 154, MedGen C3151293, MONDO:0013479, OMIM 613881.

Allele frequency attached by ClinVar (database versions not stated): gnomAD 0.00001; gnomAD exomes 0.00001 and 0.00003; TOPMed 0.00001.

Submissions (2):

Ambry Genetics
Classification: Uncertain significance for Cardiovascular phenotype. Last evaluated: 2026-02-25. Review status: criteria provided, single submitter. Criteria: Ambry Variant Classification Scheme 2023. Collection method: clinical testing. Allele origin: germline.
Comment: The c.508-4dupG intronic variant, results from a duplication of two nucleotides at nucleotide position 508 before intron 2 of the BAG3 gene. This nucleotide position is not well conserved in available vertebrate species. In silico splice site analysis for this alteration is inconclusive. Based on the available evidence, the clinical significance of this variant remains unclear.

Labcorp Genetics (formerly Invitae), Labcorp
Classification: Likely benign for Dilated cardiomyopathy 1HH; Myofibrillar myopathy 6. Last evaluated: 2025-03-12. Review status: criteria provided, single submitter. Criteria: Invitae Variant Classification Sherloc (09022015). Collection method: clinical testing. Allele origin: germline.